The following is an entry in ClinVar:

ClinVar aggregate classification (germline): Uncertain significance (1 of 4 stars; one submission).

Allele frequency attached by ClinVar (database versions not stated): ExAC 0.00001; gnomAD 0.00001; ESP Exome Variant Server 0.00008.

Submission:

Labcorp Genetics (formerly Invitae), Labcorp
Classification: Uncertain significance. Last evaluated: 2022-03-29. Review status: criteria provided, single submitter. Criteria: Invitae Variant Classification Sherloc (09022015). Collection method: clinical testing. Allele origin: germline.
Comment: This variant is present in population databases (rs369901098, gnomAD 0.002%). This sequence change replaces glutamic acid, which is acidic and polar, with glutamine, which is neutral and polar, at codon 221 of the DNASE1L3 protein (p.Glu221Gln). This variant has not been reported in the literature in individuals affected with DNASE1L3-related conditions. In summary, the available evidence is currently insufficient to determine the role of this variant in disease. Therefore, it has been classified as a Variant of Uncertain Significance. Algorithms developed to predict the effect of missense changes on protein structure and function are either unavailable or do not agree on the potential impact of this missense change (SIFT: "Deleterious"; PolyPhen-2: "Possibly Damaging"; Align-GVGD: "Class C0").

NM_004944.4(DNASE1L3):c.661G>C (p.Glu221Gln)

Gene: DNASE1L3 (deoxyribonuclease 1L3; minus strand). Cytogenetic location: 3p14.3.
Variant type: single nucleotide variant.
Coding change: c.661G>C on transcript NM_004944.4 (MANE Select); coding-DNA position 661, G replaced by C.
Protein change: p.Glu221Gln; replaces glutamic acid 221 with glutamine.
Molecular consequence: missense variant.
Genome position (GRCh38, 1-based): chr3:58,197,864, C>G on the plus strand (G>C on the coding strand, the complement: DNASE1L3 is on the minus strand). VCF-style: chr3-58197864-C-G. GRCh37 (hg19) VCF-style: chr3-58183591-C-G.
Other names: c.571G>C, p.Glu191Gln (NM_001256560.2); short protein forms E191Q, E221Q.
Identifiers: ClinVar variation 2119297 (VCV002119297.3), dbSNP rs369901098, ClinGen allele CA2469902.
Genomic context (GRCh38, chr3:58,197,864, plus strand): 5'-CCTGCAGGGCCTCCTACCTGTCATATGCACAGTTGGTGCTCTTCTTCACCGTGGTGTCCT[C>G]TTGGTCCCCGATCAGCCAAACAAACCTGGGGTCAGTCCTCAAGCGGATGTTCTTCCAGGC-3'
Protein context (NP_004935.1, residues 211-231): PRFVWLIGDQ[Glu221Gln]DTTVKKSTNC